The following is an entry in ClinVar:

ClinVar aggregate classification (germline): Uncertain significance (1 of 4 stars; one submission).

Conditions:
Inborn genetic diseases. Identifiers: MedGen C0950123, MeSH D030342.

Allele frequency attached by ClinVar (database versions not stated): TOPMed below 0.00001; gnomAD 0.00001; gnomAD exomes 0.00001.
gnomAD v4.1: 7 of 1,614,012 alleles (0.00043%); highest among the groups gnomAD compares: Non-Finnish European, 0.00059%; no homozygotes.

Submission:

Ambry Genetics
Classification: Uncertain significance for Inborn genetic diseases. Last evaluated: 2021-12-08. Review status: criteria provided, single submitter. Criteria: Ambry Variant Classification Scheme 2023. Collection method: clinical testing. Allele origin: germline.
Comment: The p.P92R variant (also known as c.275C>G), located in coding exon 2 of the MIB1 gene, results from a C to G substitution at nucleotide position 275. The proline at codon 92 is replaced by arginine, an amino acid with dissimilar properties. This amino acid position is conserved. In addition, this alteration is predicted to be deleterious by in silico analysis. Since supporting evidence is limited at this time, the clinical significance of this alteration remains unclear.

NM_020774.4(MIB1):c.275C>G (p.Pro92Arg)

Gene: MIB1 (MIB E3 ubiquitin protein ligase 1; plus strand). Cytogenetic location: 18q11.2.
Variant type: single nucleotide variant.
Coding change: c.275C>G on transcript NM_020774.4 (MANE Select); coding-DNA position 275, C replaced by G.
Protein change: p.Pro92Arg; replaces proline 92 with arginine.
Molecular consequence: missense variant.
Genome position (GRCh38, 1-based): chr18:21,765,817, C>G. VCF-style: chr18-21765817-C-G. GRCh37 (hg19) VCF-style: chr18-19345778-C-G.
Other names: short protein forms P92R.
Identifiers: ClinVar variation 1795658 (VCV001795658.2), dbSNP rs1230575033, ClinGen allele CA401760848.
Genomic context (GRCh38, chr18:21,765,817, plus strand): 5'-TCCTTGTTTTAATAGGCATCAAGCATGATGGAACCATGTGTGATACCTGCCGCCAGCAAC[C>G]AATCATTGGCATTCGATGGAAGTGTGCAGAGTGTACAAATTATGATTTGTGCACAGTGTG-3'
Protein context (NP_065825.1, residues 82-102): GTMCDTCRQQ[Pro92Arg]IIGIRWKCAE